The following is an entry in ClinVar:

ClinVar aggregate classification (germline): Conflicting classifications of pathogenicity. Review status: criteria provided, conflicting classifications (1 of 4 stars). 4 submissions from 4 submitters: Uncertain significance (2); Likely benign (2). Last evaluated 2026-04-16.

Conditions:
CTC1-related disorder. Also called: CTC1-related condition.
Cerebroretinal microangiopathy with calcifications and cysts 1 (CRMCC1). Identifiers: Orphanet 313838, MedGen C4552029, MONDO:0024564, OMIM 612199.
Dyskeratosis congenita. Identifiers: Orphanet 1775, MedGen C0265965, MONDO:0015780.

Allele frequency attached by ClinVar (database versions not stated): gnomAD exomes 0.00008; ExAC 0.00010; TOPMed 0.00025; 1000 Genomes Project 30x 0.00031; gnomAD 0.00033 and 0.00034; 1000 Genomes Project 0.00040; ESP Exome Variant Server 0.00040.
gnomAD v4.1: 101 of 1,614,016 alleles (0.0063%); highest among the groups gnomAD compares: African/African-American, 0.087%; no homozygotes.

Submissions (4):

PreventionGenetics, part of Exact Sciences
Classification: Uncertain significance for CTC1-related condition. Last evaluated: 2026-04-16. Review status: criteria provided, single submitter. Criteria: ACMG Guidelines, 2015. Collection method: clinical testing. Allele origin: germline.
Comment: The CTC1 c.3568G>A variant is predicted to result in the amino acid substitution p.Val1190Met. To our knowledge, this variant has not been reported in the literature. This variant is reported in 0.10% of alleles in individuals of African descent in gnomAD. At this time, the clinical significance of this variant is uncertain due to the absence of conclusive functional and genetic evidence.

Labcorp Genetics (formerly Invitae), Labcorp
Classification: Likely benign for Dyskeratosis congenita. Last evaluated: 2026-01-27. Review status: criteria provided, single submitter. Criteria: Invitae Variant Classification Sherloc (09022015). Collection method: clinical testing. Allele origin: germline.

ARUP Laboratories, Molecular Genetics and Genomics, ARUP Laboratories
Classification: Uncertain significance for Cerebroretinal microangiopathy with calcifications and cysts 1. Last evaluated: 2024-11-22. Review status: criteria provided, single submitter. Criteria: ARUP Molecular Germline Variant Investigation Process 2024. Collection method: clinical testing. Allele origin: germline.
Comment: The CTC1 c.3568G>A; p.Val1190Met variant (rs371036203), to our knowledge, is not reported in the medical literature but is reported in ClinVar (Variation ID: 971810). This variant is found in the African/African-American population with an allele frequency of 0.1% (25/24196 alleles) in the Genome Aggregation Database (v2.1.1). Computational analyses are uncertain whether this variant is neutral or deleterious (REVEL: 0.423). Due to limited information, the clinical significance of this variant is uncertain at this time.

Blueprint Genetics
Classification: Likely benign. Last evaluated: 2023-09-18. Review status: criteria provided, single submitter. Criteria: ACMG Guidelines, 2015. Collection method: clinical testing. Allele origin: germline.

NM_025099.6(CTC1):c.3568G>A (p.Val1190Met)

Gene: CTC1 (CST telomere replication complex component 1; minus strand). Cytogenetic location: 17p13.1.
Variant type: single nucleotide variant.
Coding change: c.3568G>A on transcript NM_025099.6 (MANE Select); coding-DNA position 3568, G replaced by A.
Protein change: p.Val1190Met; replaces valine 1190 with methionine.
Molecular consequence: missense variant. On other transcripts: non-coding transcript variant (1).
Genome position (GRCh38, 1-based): chr17:8,228,266, C>T on the plus strand (G>A on the coding strand, the complement: CTC1 is on the minus strand). VCF-style: chr17-8228266-C-T. GRCh37 (hg19) VCF-style: chr17-8131584-C-T.
Other names: short protein forms V1190M.
Identifiers: ClinVar variation 971810 (VCV000971810.11), dbSNP rs371036203, ClinGen allele CA8371705.
Genomic context (GRCh38, chr17:8,228,266, plus strand): 5'-GAGAGCTGGAGTACTCTGACTCTCGGATAGAAAGGCAGGACAATCGGAGCCTGGGGTTCA[C>T]GTGAGTCAGGAAAGGGAGCTCTCCACACTGGAATCGCTGTAGCCGAGGAGGTTCTGAGGT-3'
Protein context (NP_079375.3, residues 1180-1200): QCGELPFLTH[Val1190Met]NPRLRLSCLS